The following is an entry in ClinVar:

NM_004655.4(AXIN2):c.1409A>G (p.His470Arg)

Gene: AXIN2 (axin 2; minus strand). Cytogenetic location: 17q24.1.
Variant type: single nucleotide variant.
Coding change: c.1409A>G on transcript NM_004655.4 (MANE Select); coding-DNA position 1409, A replaced by G.
Protein change: p.His470Arg; replaces histidine 470 with arginine.
Molecular consequence: missense variant.
Genome position (GRCh38, 1-based): chr17:65,537,627, T>C on the plus strand (A>G on the coding strand, the complement: AXIN2 is on the minus strand). VCF-style: chr17-65537627-T-C. GRCh37 (hg19) VCF-style: chr17-63533745-T-C.
Other names: c.1409A>G, p.His470Arg (NM_001363813.1); short protein forms H470R.
Identifiers: ClinVar variation 1437048 (VCV001437048.8), dbSNP rs2144463605, ClinGen allele CA400677561.

ClinVar aggregate classification (germline): Uncertain significance (1 of 4 stars; one submission).

Conditions:
Oligodontia-cancer predisposition syndrome. Also called: TOOTH AGENESIS-COLORECTAL CANCER SYNDROME. Identifiers: Orphanet 300576, MedGen C1837750, MONDO:0012075, OMIM 608615. Disease mechanism: loss of function.

Submission:

Labcorp Genetics (formerly Invitae), Labcorp
Classification: Uncertain significance for Oligodontia-cancer predisposition syndrome. Last evaluated: 2021-06-15. Review status: criteria provided, single submitter. Criteria: Invitae Variant Classification Sherloc (09022015). Collection method: clinical testing. Allele origin: germline.
Comment: This sequence change replaces histidine with arginine at codon 470 of the AXIN2 protein (p.His470Arg). The histidine residue is moderately conserved and there is a small physicochemical difference between histidine and arginine. This variant is not present in population databases (ExAC no frequency). This variant has not been reported in the literature in individuals with AXIN2-related conditions. Algorithms developed to predict the effect of missense changes on protein structure and function (SIFT, PolyPhen-2, Align-GVGD) all suggest that this variant is likely to be tolerated, but these predictions have not been confirmed by published functional studies and their clinical significance is uncertain. In summary, the available evidence is currently insufficient to determine the role of this variant in disease. Therefore, it has been classified as a Variant of Uncertain Significance.